The following is an entry in ClinVar:

NM_001458.5(FLNC):c.6632C>T (p.Thr2211Ile)

Genes: FLNC (filamin C; plus strand), FLNC-AS1 (FLNC antisense RNA 1; minus strand). Cytogenetic location: 7q32.1.
Variant type: single nucleotide variant.
Coding change: c.6632C>T on transcript NM_001458.5 (MANE Select); coding-DNA position 6632, C replaced by T.
Protein change: p.Thr2211Ile; replaces threonine 2211 with isoleucine.
Molecular consequence: missense variant.
Genome position (GRCh38, 1-based): chr7:128,854,121, C>T. VCF-style: chr7-128854121-C-T. GRCh37 (hg19) VCF-style: chr7-128494175-C-T.
Other names: c.6533C>T, p.Thr2178Ile (NM_001127487.2); short protein forms T2211I, T2178I.
Identifiers: ClinVar variation 864446 (VCV000864446.10), dbSNP rs1808946811, ClinGen allele CA369212969.
Genomic context (GRCh38, chr7:128,854,121, plus strand): 5'-CGGAGATCAGCAAGACGCGGGGCGGGGAGACAAAGCGCGAGGTGCGGGTGGAGGAGTCCA[C>T]CCAGGTCGGCGGGGACCCCTTCCCTGCTGTGTTTGGGGACTTCCTGGGCCGGGAGCGCCT-3'
Protein context (NP_001449.3, residues 2201-2221): TKREVRVEES[Thr2211Ile]QVGGDPFPAV

ClinVar aggregate classification (germline): Uncertain significance (1 of 4 stars; one submission).

Conditions:
Myofibrillar myopathy 5. Also called: Filaminopathy (type); FILAMINOPATHY, AUTOSOMAL DOMINANT. Identifiers: Orphanet 171445, MedGen C1836050, MONDO:0012289, OMIM 609524.
Distal myopathy with posterior leg and anterior hand involvement. Also called: WILLIAMS DISTAL MYOPATHY. Identifiers: Orphanet 63273, MedGen C3279722, MONDO:0013550, OMIM 614065.
Hypertrophic cardiomyopathy 26. Also called: Cardiomyopathy, familial hypertrophic, 26. Identifiers: Orphanet 75249, MedGen C4310749, MONDO:0014883, OMIM 617047.

Submission:

Labcorp Genetics (formerly Invitae), Labcorp
Classification: Uncertain significance for Distal myopathy with posterior leg and anterior hand involvement; Myofibrillar myopathy 5; Hypertrophic cardiomyopathy 26. Last evaluated: 2019-03-15. Review status: criteria provided, single submitter. Criteria: Invitae Variant Classification Sherloc (09022015). Collection method: clinical testing. Allele origin: germline.
Comment: In summary, the available evidence is currently insufficient to determine the role of this variant in disease. Therefore, it has been classified as a Variant of Uncertain Significance. Algorithms developed to predict the effect of missense changes on protein structure and function are either unavailable or do not agree on the potential impact of this missense change (SIFT: "Deleterious"; PolyPhen-2: "Benign"; Align-GVGD: "Class C0"). This variant has not been reported in the literature in individuals with FLNC-related conditions. This variant is not present in population databases (ExAC no frequency). This sequence change replaces threonine with isoleucine at codon 2211 of the FLNC protein (p.Thr2211Ile). The threonine residue is moderately conserved and there is a moderate physicochemical difference between threonine and isoleucine.